The following is an entry in ClinVar:

ClinVar aggregate classification (germline): Uncertain significance (1 of 4 stars; one submission).

Allele frequency attached by ClinVar (database versions not stated): gnomAD exomes below 0.00001 and 0.00001; TOPMed below 0.00001; ExAC 0.00001.
gnomAD v4.1: 9 of 1,614,058 alleles (0.00056%); highest among the groups gnomAD compares: Middle Eastern, 0.017%; no homozygotes.

Submission:

Labcorp Genetics (formerly Invitae), Labcorp
Classification: Uncertain significance. Last evaluated: 2020-11-04. Review status: criteria provided, single submitter. Criteria: Invitae Variant Classification Sherloc (09022015). Collection method: clinical testing. Allele origin: germline.
Comment: This sequence change replaces valine with isoleucine at codon 306 of the ARHGEF1 protein (p.Val306Ile). The valine residue is weakly conserved and there is a small physicochemical difference between valine and isoleucine. This variant is present in population databases (rs782098074, ExAC 0.001%). This variant has not been reported in the literature in individuals with ARHGEF1-related conditions. Algorithms developed to predict the effect of missense changes on protein structure and function (SIFT, PolyPhen-2, Align-GVGD) all suggest that this variant is likely to be tolerated, but these predictions have not been confirmed by published functional studies and their clinical significance is uncertain. In summary, the available evidence is currently insufficient to determine the role of this variant in disease. Therefore, it has been classified as a Variant of Uncertain Significance.

NM_004706.4(ARHGEF1):c.871G>A (p.Val291Ile)

Gene: ARHGEF1 (Rho guanine nucleotide exchange factor 1; plus strand). Cytogenetic location: 19q13.2.
Variant type: single nucleotide variant.
Coding change: c.871G>A on transcript NM_004706.4 (MANE Select); coding-DNA position 871, G replaced by A.
Protein change: p.Val291Ile; replaces valine 291 with isoleucine.
Molecular consequence: missense variant.
Genome position (GRCh38, 1-based): chr19:41,894,655, G>A. VCF-style: chr19-41894655-G-A. GRCh37 (hg19) VCF-style: chr19-42398728-G-A.
Other names: c.772G>A, p.Val258Ile (NM_198977.2); c.916G>A, p.Val306Ile (NM_199002.2); short protein forms V291I, V306I, V258I.
Identifiers: ClinVar variation 1461680 (VCV001461680.8), dbSNP rs782098074, ClinGen allele CA9466092.